The following is an entry in ClinVar:

ClinVar aggregate classification (germline): Uncertain significance (1 of 4 stars; one submission).

Allele frequency attached by ClinVar (database versions not stated): gnomAD 0.00005.
gnomAD v4.1: 61 of 1,611,738 alleles (0.0038%); highest among the groups gnomAD compares: South Asian, 0.015%; no homozygotes.

Submission:

Labcorp Genetics (formerly Invitae), Labcorp
Classification: Uncertain significance. Last evaluated: 2024-06-06. Review status: criteria provided, single submitter. Criteria: Invitae Variant Classification Sherloc (09022015). Collection method: clinical testing. Allele origin: germline.
Comment: This sequence change replaces arginine, which is basic and polar, with cysteine, which is neutral and slightly polar, at codon 217 of the SEC63 protein (p.Arg217Cys). This variant is present in population databases (rs565194589, gnomAD 0.01%). This missense change has been observed in individual(s) with SEC63-related conditions (PMID: 20095989, 22406737). An algorithm developed to predict the effect of missense changes on protein structure and function (PolyPhen-2) suggests that this variant is likely to be disruptive. In summary, the available evidence is currently insufficient to determine the role of this variant in disease. Therefore, it has been classified as a Variant of Uncertain Significance.

Literature cited by the submitters: PubMed 20095989; PubMed 22406737.

NM_007214.5(SEC63):c.649C>T (p.Arg217Cys)

Gene: SEC63 (SEC63 protein translocation regulator; minus strand). Cytogenetic location: 6q21.
Variant type: single nucleotide variant.
Coding change: c.649C>T on transcript NM_007214.5 (MANE Select); coding-DNA position 649, C replaced by T.
Protein change: p.Arg217Cys; replaces arginine 217 with cysteine.
Molecular consequence: missense variant.
Genome position (GRCh38, 1-based): chr6:107,909,011, G>A on the plus strand (C>T on the coding strand, the complement: SEC63 is on the minus strand). VCF-style: chr6-107909011-G-A. GRCh37 (hg19) VCF-style: chr6-108230215-G-A.
Other names: short protein forms R217C.
Identifiers: ClinVar variation 2734923 (VCV002734923.3), dbSNP rs565194589, ClinGen allele CA3947631.